The following is an entry in ClinVar:

NM_001312909.2(FAM111A):c.385C>G (p.Arg129Gly)

Gene: FAM111A (FAM111 trypsin like peptidase A; plus strand). Cytogenetic location: 11q12.1.
Variant type: single nucleotide variant.
Coding change: c.385C>G on transcript NM_001312909.2 (MANE Select); coding-DNA position 385, C replaced by G.
Protein change: p.Arg129Gly; replaces arginine 129 with glycine.
Molecular consequence: missense variant.
Genome position (GRCh38, 1-based): chr11:59,152,053, C>G. VCF-style: chr11-59152053-C-G. GRCh37 (hg19) VCF-style: chr11-58919526-C-G.
Other names: c.385C>G, p.Arg129Gly (NM_001374852.1, NM_001374853.1, NM_001374854.1 and 29 more transcripts); short protein forms R129G.
Identifiers: ClinVar variation 4770920 (VCV004770920.1).

ClinVar aggregate classification (germline): Uncertain significance (1 of 4 stars; one submission).

Submission:

Labcorp Genetics (formerly Invitae), Labcorp
Classification: Uncertain significance. Last evaluated: 2025-03-27. Review status: criteria provided, single submitter. Criteria: Invitae Variant Classification Sherloc (09022015). Collection method: clinical testing. Allele origin: germline.
Comment: This sequence change replaces arginine, which is basic and polar, with glycine, which is neutral and non-polar, at codon 129 of the FAM111A protein (p.Arg129Gly). This variant is present in population databases (no rsID available, gnomAD 0.003%). This variant has not been reported in the literature in individuals affected with FAM111A-related conditions. Invitae Evidence Modeling of protein sequence and biophysical properties (such as structural, functional, and spatial information, amino acid conservation, physicochemical variation, residue mobility, and thermodynamic stability) indicates that this missense variant is not expected to disrupt FAM111A protein function with a negative predictive value of 80%. In summary, the available evidence is currently insufficient to determine the role of this variant in disease. Therefore, it has been classified as a Variant of Uncertain Significance.